The following is an entry in ClinVar:

ClinVar aggregate classification (germline): Uncertain significance. Review status: criteria provided, multiple submitters, no conflicts (2 of 4 stars). 2 submissions from 2 submitters: Uncertain significance (2). Last evaluated 2024-09-13.

Conditions:
Developmental and epileptic encephalopathy, 36 (DEE36). Also called: ALG13-CDG; Epileptic encephalopathy, early infantile, 36; Congenital disorder of glycosylation, type Is. Identifiers: Orphanet 324422, MedGen C4317295, MONDO:0010472, OMIM 300884.

Allele frequency attached by ClinVar (database versions not stated): ExAC 0.00001; gnomAD exomes 0.00001; TOPMed 0.00001.
gnomAD v4.1: 7 of 1,210,621 alleles (0.00058%); highest among the groups gnomAD compares: Non-Finnish European, 0.00078%; no homozygotes.

Submissions (2):

GeneDx
Classification: Uncertain significance. Last evaluated: 2024-09-13. Review status: criteria provided, single submitter. Criteria: GeneDx Variant Classification Process June 2021. Collection method: clinical testing. Allele origin: germline. Affected: yes.
Comment: In silico analysis supports that this missense variant has a deleterious effect on protein structure/function; Has not been previously published as pathogenic or benign to our knowledge

Labcorp Genetics (formerly Invitae), Labcorp
Classification: Uncertain significance for Developmental and epileptic encephalopathy, 36. Last evaluated: 2024-06-22. Review status: criteria provided, single submitter. Criteria: Invitae Variant Classification Sherloc (09022015). Collection method: clinical testing. Allele origin: germline.
Comment: This sequence change replaces serine, which is neutral and polar, with phenylalanine, which is neutral and non-polar, at codon 865 of the ALG13 protein (p.Ser865Phe). This variant is not present in population databases (gnomAD no frequency). This variant has not been reported in the literature in individuals affected with ALG13-related conditions. ClinVar contains an entry for this variant (Variation ID: 581060). Advanced modeling of protein sequence and biophysical properties (such as structural, functional, and spatial information, amino acid conservation, physicochemical variation, residue mobility, and thermodynamic stability) performed at Invitae indicates that this missense variant is not expected to disrupt ALG13 protein function with a negative predictive value of 80%. In summary, the available evidence is currently insufficient to determine the role of this variant in disease. Therefore, it has been classified as a Variant of Uncertain Significance.

NM_001099922.3(ALG13):c.2594C>T (p.Ser865Phe)

Gene: ALG13 (ALG13 UDP-N-acetylglucosaminyltransferase subunit; plus strand). Cytogenetic location: Xq23.
Variant type: single nucleotide variant.
Coding change: c.2594C>T on transcript NM_001099922.3 (MANE Select); coding-DNA position 2594, C replaced by T.
Protein change: p.Ser865Phe; replaces serine 865 with phenylalanine.
Molecular consequence: missense variant. On other transcripts: non-coding transcript variant (1).
Genome position (GRCh38, 1-based): chrX:111,736,778, C>T. VCF-style: chrX-111736778-C-T. GRCh37 (hg19) VCF-style: chrX-110980006-C-T.
Other names: c.2282C>T, p.Ser761Phe (NM_001257230.2, NM_001257234.2, NM_001257237.2); c.2360C>T, p.Ser787Phe (NM_001257231.2); c.2594C>T, p.Ser865Phe (NM_001324292.2); c.2108C>T, p.Ser703Phe (NM_001324293.1); short protein forms S761F, S865F, S703F, S787F.
Identifiers: ClinVar variation 581060 (VCV000581060.8), dbSNP rs755213977, ClinGen allele CA10493941.